The following is an entry in ClinVar:

ClinVar aggregate classification (germline): Uncertain significance. Review status: criteria provided, multiple submitters, no conflicts (2 of 4 stars). 3 submissions from 3 submitters: Uncertain significance (3). Last evaluated 2026-07-02.

Conditions:
Recessive dystrophic epidermolysis bullosa (RDEB). Also called: epidermolysis bullosa dystrophica, autosomal recessive; Hallopeau-Siemens Disease; EPIDERMOLYSIS BULLOSA DYSTROPHICA, GENERALIZED SEVERE, AUTOSOMAL RECESSIVE; DYSTROPHIC EPIDERMOLYSIS BULLOSA, AUTOSOMAL RECESSIVE; EPIDERMOLYSIS BULLOSA DYSTROPHICA, HALLOPEAU-SIEMENS TYPE; severe generalized recessive dystrophic epidermolysis bullosa. Identifiers: Orphanet 79408, Orphanet 79409, MedGen C0079474, MONDO:0009179, OMIM 226600.
Inborn genetic diseases. Identifiers: MedGen C0950123, MeSH D030342.

Allele frequency attached by ClinVar (database versions not stated): gnomAD exomes below 0.00001; TOPMed below 0.00001; gnomAD 0.00001.
gnomAD v4.1: 4 of 1,613,838 alleles (0.00025%); highest among the groups gnomAD compares: African/African-American, 0.0013%; no homozygotes.

Submissions (3):

Myriad Genetics, Inc.
Classification: Uncertain significance for Recessive dystrophic epidermolysis bullosa. Last evaluated: 2026-07-02. Review status: criteria provided, single submitter. Criteria: Myriad Autosomal Dominant, Autosomal Recessive and X-Linked Classification Criteria (2023). Collection method: clinical testing. Allele origin: unknown.
Comment: NM_000094.3(COL7A1):c.6910G>A(G2304R) is a missense variant classified as a variant of uncertain significance in the context of dystrophic epidermolysis bullosa. G2304R has not been observed in cases with relevant disease. Relevant functional assessments of this variant are not available in the literature. G2304R has been observed in referenced population frequency databases. In summary, there is insufficient evidence to classify NM_000094.3(COL7A1):c.6910G>A(G2304R) as pathogenic or benign. Please note: this variant was assessed in the context of healthy population screening.

Ambry Genetics
Classification: Uncertain significance for Inborn genetic diseases. Last evaluated: 2024-05-07. Review status: criteria provided, single submitter. Criteria: Ambry Variant Classification Scheme 2023. Collection method: clinical testing. Allele origin: germline.

Labcorp Genetics (formerly Invitae), Labcorp
Classification: Uncertain significance. Last evaluated: 2021-12-01. Review status: criteria provided, single submitter. Criteria: Invitae Variant Classification Sherloc (09022015). Collection method: clinical testing. Allele origin: germline.
Comment: This sequence change replaces glycine, which is neutral and non-polar, with arginine, which is basic and polar, at codon 2304 of the COL7A1 protein (p.Gly2304Arg). This variant is present in population databases (no rsID available, gnomAD 0.003%). This variant has not been reported in the literature in individuals affected with COL7A1-related conditions. Advanced modeling of protein sequence and biophysical properties (such as structural, functional, and spatial information, amino acid conservation, physicochemical variation, residue mobility, and thermodynamic stability) performed at Invitae indicates that this missense variant is expected to disrupt COL7A1 protein function. In summary, the available evidence is currently insufficient to determine the role of this variant in disease. Therefore, it has been classified as a Variant of Uncertain Significance.

NM_000094.4(COL7A1):c.6910G>A (p.Gly2304Arg)

Gene: COL7A1 (collagen type VII alpha 1 chain; minus strand). Cytogenetic location: 3p21.31.
Variant type: single nucleotide variant.
Coding change: c.6910G>A on transcript NM_000094.4 (MANE Select); coding-DNA position 6910, G replaced by A.
Protein change: p.Gly2304Arg; replaces glycine 2304 with arginine.
Molecular consequence: missense variant.
Genome position (GRCh38, 1-based): chr3:48,572,529, C>T on the plus strand (G>A on the coding strand, the complement: COL7A1 is on the minus strand). VCF-style: chr3-48572529-C-T. GRCh37 (hg19) VCF-style: chr3-48609962-C-T.
Other names: c.6910G>A (NM_000094.3); short protein forms G2304R.
Identifiers: ClinVar variation 1523819 (VCV001523819.5), dbSNP rs1461460130, ClinGen allele CA352652969.